The following is an entry in ClinVar:

NM_000516.5(GNAS):c.212_212+1dupAG

Gene: GNAS (GNAS complex locus; plus strand). Cytogenetic location: 20q13.32.
Variant type: Microsatellite.
Coding change: c.212_212+1dupAG on transcript NM_000516.5; coding-DNA position 212 through the canonical splice donor site of the intron after coding-DNA position 212, 2 bases duplicated (AG).
Genome position (GRCh38, 1-based): chr20:58,895,684-58,895,685, AG duplicated; duplicating any 2 consecutive bases within chr20:58,895,681-58,895,685 gives the same sequence; the c. name uses the placement nearest the transcript's 3' end. VCF-style (leftmost placement, unchanged base first): chr20-58895680-G-GGA. GRCh37 (hg19) VCF-style: chr20-57470735-G-GGA.
Identifiers: ClinVar variation 4996593 (VCV004996593.1).

ClinVar aggregate classification (germline): Uncertain significance (1 of 4 stars; one submission).

Conditions:
GNAS-related disorder. Identifiers: MedGen CN380105.

Submission:

PreventionGenetics, part of Exact Sciences
Classification: Uncertain significance for GNAS-related condition. Last evaluated: 2026-07-24. Review status: criteria provided, single submitter. Criteria: ACMG Guidelines, 2015. Collection method: clinical testing. Allele origin: germline.
Comment: The GNAS c.212_212+1dupAG variant is predicted to result in an intronic duplication. This variant is not predicted to impact splicing based on splicing prediction programs (SpliceAI, Jaganathan et al. 2019. PubMed ID: 30661751). However, the use of computer prediction programs is not equivalent to functional evidence. This variant is also referred to as c.2141_2141+1dupAG (p.Gly715Argfs*29) in an alternative transcript NM_080425. To our knowledge, this variant has not been reported in the literature or in a large population database (gnomAD), indicating this variant is rare. At this time, the clinical significance of this variant is uncertain due to the absence of conclusive functional and genetic evidence.